The following is an entry in ClinVar:

ClinVar aggregate classification (germline): Benign/Likely benign. Review status: criteria provided, multiple submitters, no conflicts (2 of 4 stars). 4 submissions from 4 submitters: Benign (1); Likely benign (2). 1 of the submissions does not count toward it. Last evaluated 2025-08-06.

Conditions:
ITPR1-related disorder. Also called: ITPR1-related condition.

Allele frequency attached by ClinVar (database versions not stated): ESP Exome Variant Server 0.00008; ExAC 0.00010; gnomAD exomes 0.00010 and 0.00012; gnomAD 0.00011; TOPMed 0.00011.
gnomAD v4.1: 194 of 1,613,932 alleles (0.012%); highest among the groups gnomAD compares: Middle Eastern, 0.033%; no homozygotes.

Submissions (4):

Labcorp Genetics (formerly Invitae), Labcorp
Classification: Likely benign. Last evaluated: 2025-08-06. Review status: criteria provided, single submitter. Criteria: Invitae Variant Classification Sherloc (09022015). Collection method: clinical testing. Allele origin: germline.

CeGaT Center for Human Genetics Tuebingen
Classification: Likely benign. Last evaluated: 2023-01-01. Review status: criteria provided, single submitter. Criteria: CeGaT Center For Human Genetics Tuebingen Variant Classification Criteria Version 2. Collection method: clinical testing. Allele origin: germline. Affected: yes. Observed: 1 variant allele.
Comment: ITPR1: BP4, BP7

Athena Diagnostics
Classification: Benign. Last evaluated: 2017-06-21. Review status: criteria provided, single submitter. Criteria: Athena Diagnostics Criteria. Collection method: clinical testing. Allele origin: germline.

PreventionGenetics, part of Exact Sciences
Classification: Likely benign for ITPR1-related condition. Last evaluated: 2019-07-01. Review status: no assertion criteria provided. Collection method: clinical testing. Allele origin: germline. Not counted in ClinVar's aggregate classification.
Comment: This variant is classified as likely benign based on ACMG/AMP sequence variant interpretation guidelines (Richards et al. 2015 PMID: 25741868, with internal and published modifications).

NM_001378452.1(ITPR1):c.7506C>T (p.Ser2502=)

Gene: ITPR1 (inositol 1,4,5-trisphosphate receptor type 1; plus strand). Cytogenetic location: 3p26.1.
Variant type: single nucleotide variant.
Coding change: c.7506C>T on transcript NM_001378452.1 (MANE Select); coding-DNA position 7506, C replaced by T.
Protein change: p.Ser2502=; no amino-acid change (serine 2502 retained).
Molecular consequence: synonymous variant.
Genome position (GRCh38, 1-based): chr3:4,813,179, C>T. VCF-style: chr3-4813179-C-T. GRCh37 (hg19) VCF-style: chr3-4854863-C-T.
Other names: c.7362C>T, p.Ser2454= (NM_001099952.4); c.7461C>T, p.Ser2487= (NM_001168272.2); c.7317C>T, p.Ser2439= (NM_002222.7).
Identifiers: ClinVar variation 447598 (VCV000447598.33), dbSNP rs375227391, ClinGen allele CA2232867.
Genomic context (GRCh38, chr3:4,813,179, plus strand): 5'-TAAAATTTCCTTCTCTCTCCCAGAAACCGGCGAGAGTTTGGCAAGCGAGTTCCTGTTCTC[C>T]GATGTGTGTAGGGTGGAGAGTGGGGAGAACTGCTCCTCTCCTGCACCCAGAGAAGGTAGG-3'
Protein context (NP_001365381.1, residues 2492-2512): GESLASEFLF[Ser2502=]DVCRVESGEN